The following is an entry in ClinVar:

NM_145059.3(FCSK):c.2176C>G (p.Pro726Ala)

Gene: FCSK (fucose kinase; plus strand). Cytogenetic location: 16q22.1.
Variant type: single nucleotide variant.
Coding change: c.2176C>G on transcript NM_145059.3 (MANE Select); coding-DNA position 2176, C replaced by G.
Protein change: p.Pro726Ala; replaces proline 726 with alanine.
Molecular consequence: missense variant.
Genome position (GRCh38, 1-based): chr16:70,474,810, C>G. VCF-style: chr16-70474810-C-G. GRCh37 (hg19) VCF-style: chr16-70508713-C-G.
Other names: short protein forms P726A.
Identifiers: ClinVar variation 4728425 (VCV004728425.1).

ClinVar aggregate classification (germline): Uncertain significance (1 of 4 stars; one submission).

Submission:

Labcorp Genetics (formerly Invitae), Labcorp
Classification: Uncertain significance. Last evaluated: 2025-10-06. Review status: criteria provided, single submitter. Criteria: Invitae Variant Classification Sherloc (09022015). Collection method: clinical testing. Allele origin: germline.
Comment: This sequence change replaces proline, which is neutral and non-polar, with alanine, which is neutral and non-polar, at codon 726 of the FUK protein (p.Pro726Ala). This variant is not present in population databases (gnomAD no frequency). This variant has not been reported in the literature in individuals affected with FUK-related conditions. An algorithm developed to predict the effect of missense changes on protein structure and function (PolyPhen-2) suggests that this variant is likely to be disruptive. In summary, the available evidence is currently insufficient to determine the role of this variant in disease. Therefore, it has been classified as a Variant of Uncertain Significance.